The following is an entry in ClinVar:

ClinVar aggregate classification (germline): Uncertain significance (1 of 4 stars; one submission).

Conditions:
Granulomatous disease, chronic, autosomal recessive, cytochrome b-positive, type 2. Also called: GRANULOMATOUS DISEASE, CHRONIC, AUTOSOMAL RECESSIVE, 2; CGD, AUTOSOMAL RECESSIVE CYTOCHROME b-POSITIVE, TYPE II; GRANULOMATOUS DISEASE, CHRONIC, DUE TO NCF2 DEFICIENCY; Chronic granulomatous disease due to deficiency of NCF-2; Chronic Granulomatous Disease, Autosomal Recessive, Cytochrome b-Positive, Type II. Identifiers: Orphanet 379, MedGen C1856245, MONDO:0009310, OMIM 233710.

Submission:

Labcorp Genetics (formerly Invitae), Labcorp
Classification: Uncertain significance for Granulomatous disease, chronic, autosomal recessive, cytochrome b-positive, type 2. Last evaluated: 2021-03-19. Review status: criteria provided, single submitter. Criteria: Invitae Variant Classification Sherloc (09022015). Collection method: clinical testing. Allele origin: germline.
Comment: This variant is not present in population databases (ExAC no frequency). In summary, the available evidence is currently insufficient to determine the role of this variant in disease. Therefore, it has been classified as a Variant of Uncertain Significance. Algorithms developed to predict the effect of missense changes on protein structure and function (SIFT, PolyPhen-2, Align-GVGD) all suggest that this variant is likely to be tolerated, but these predictions have not been confirmed by published functional studies and their clinical significance is uncertain. This variant has not been reported in the literature in individuals with NCF2-related conditions. This sequence change replaces leucine with phenylalanine at codon 94 of the NCF2 protein (p.Leu94Phe). The leucine residue is moderately conserved and there is a small physicochemical difference between leucine and phenylalanine.

NM_000433.4(NCF2):c.280C>T (p.Leu94Phe)

Gene: NCF2 (neutrophil cytosolic factor 2; minus strand). Cytogenetic location: 1q25.3.
Variant type: single nucleotide variant.
Coding change: c.280C>T on transcript NM_000433.4 (MANE Select); coding-DNA position 280, C replaced by T.
Protein change: p.Leu94Phe; replaces leucine 94 with phenylalanine.
Molecular consequence: missense variant.
Genome position (GRCh38, 1-based): chr1:183,577,685, G>A on the plus strand (C>T on the coding strand, the complement: NCF2 is on the minus strand). VCF-style: chr1-183577685-G-A. GRCh37 (hg19) VCF-style: chr1-183546820-G-A.
Other names: c.280C>T, p.Leu94Phe (NM_001127651.3, NM_001190789.2, NM_001190794.2); short protein forms L94F.
Identifiers: ClinVar variation 1517564 (VCV001517564.8), dbSNP rs2102912563, ClinGen allele CA343679556.